The following is an entry in ClinVar:

NM_194454.3(KRIT1):c.1256A>G (p.Tyr419Cys)

Gene: KRIT1 (KRIT1 ankyrin repeat containing; minus strand). Cytogenetic location: 7q21.2.
Variant type: single nucleotide variant.
Coding change: c.1256A>G on transcript NM_194454.3 (MANE Select); coding-DNA position 1256, A replaced by G.
Protein change: p.Tyr419Cys; replaces tyrosine 419 with cysteine.
Molecular consequence: missense variant.
Genome position (GRCh38, 1-based): chr7:92,222,977, T>C on the plus strand (A>G on the coding strand, the complement: KRIT1 is on the minus strand). VCF-style: chr7-92222977-T-C. GRCh37 (hg19) VCF-style: chr7-91852291-T-C.
Other names: p.Tyr419Cys; c.1112A>G, p.Tyr371Cys (NM_001013406.2, NM_001350669.1, NM_001350670.1); c.542A>G, p.Tyr181Cys (NM_001350671.1); c.1256A>G, p.Tyr419Cys (NM_001350672.1, NM_001350673.1, NM_001350674.1 and 26 more transcripts); short protein forms Y181C, Y371C, Y419C.
Identifiers: ClinVar variation 3379774 (VCV003379774.1).

ClinVar aggregate classification (germline): Uncertain significance (1 of 4 stars; one submission).

gnomAD v4.1: 10 of 1,601,826 alleles (0.00062%); highest among the groups gnomAD compares: Middle Eastern, 0.033%; no homozygotes.

Submission:

Mayo Clinic Laboratories, Mayo Clinic
Classification: Uncertain significance. Last evaluated: 2024-09-25. Review status: criteria provided, single submitter. Criteria: ACMG Guidelines, 2015. Collection method: clinical testing. Allele origin: germline. Observed: 1 variant allele.
Comment: PM2